The following is an entry in ClinVar:

NM_000722.4(CACNA2D1):c.1906C>G (p.Leu636Val)

Gene: CACNA2D1 (calcium voltage-gated channel auxiliary subunit alpha2delta 1; minus strand). Cytogenetic location: 7q21.11.
Variant type: single nucleotide variant.
Coding change: c.1906C>G on transcript NM_000722.4 (MANE Select); coding-DNA position 1906, C replaced by G.
Protein change: p.Leu636Val; replaces leucine 636 with valine.
Molecular consequence: missense variant.
Genome position (GRCh38, 1-based): chr7:81,982,616, G>C on the plus strand (C>G on the coding strand, the complement: CACNA2D1 is on the minus strand). VCF-style: chr7-81982616-G-C. GRCh37 (hg19) VCF-style: chr7-81611932-G-C.
Other names: c.1942C>G, p.Leu648Val (NM_001366867.1); c.1906C>G (NM_000722.2); short protein forms L636V, L648V.
Identifiers: ClinVar variation 1446740 (VCV001446740.4), dbSNP rs1218084026, ClinGen allele CA367895350.

ClinVar aggregate classification (germline): Uncertain significance. Review status: criteria provided, multiple submitters, no conflicts (2 of 4 stars). 2 submissions from 2 submitters: Uncertain significance (2). Last evaluated 2024-02-03.

Conditions:
Brugada syndrome. Also called: Sudden Unexplained Death Syndrome; Sudden Unexplained Nocturnal Death Syndrome (SUNDS); Sudden unexpected nocturnal death syndrome; Sudden unexplained nocturnal death syndrome. Identifiers: Orphanet 130, MedGen C1142166, MONDO:0015263.
Cardiovascular phenotype. Identifiers: MedGen CN230736.

Allele frequency attached by ClinVar (database versions not stated): gnomAD exomes below 0.00001; gnomAD 0.00001; TOPMed 0.00002.
gnomAD v4.1: 3 of 1,602,546 alleles (0.00019%); highest among the groups gnomAD compares: African/African-American, 0.0013%; no homozygotes.

Submissions (2):

Ambry Genetics
Classification: Uncertain significance for Cardiovascular phenotype. Last evaluated: 2024-02-03. Review status: criteria provided, single submitter. Criteria: Ambry Variant Classification Scheme 2023. Collection method: clinical testing. Allele origin: germline.
Comment: The p.L636V variant (also known as c.1906C>G), located in coding exon 24 of the CACNA2D1 gene, results from a C to G substitution at nucleotide position 1906. The leucine at codon 636 is replaced by valine, an amino acid with highly similar properties. This amino acid position is conserved. In addition, the in silico prediction for this alteration is inconclusive. Based on the available evidence, the clinical significance of this alteration remains unclear.

Labcorp Genetics (formerly Invitae), Labcorp
Classification: Uncertain significance for Brugada syndrome. Last evaluated: 2021-10-02. Review status: criteria provided, single submitter. Criteria: Invitae Variant Classification Sherloc (09022015). Collection method: clinical testing. Allele origin: germline.
Comment: This sequence change replaces leucine with valine at codon 636 of the CACNA2D1 protein (p.Leu636Val). The leucine residue is highly conserved and there is a small physicochemical difference between leucine and valine. This variant is not present in population databases (ExAC no frequency). This variant has not been reported in the literature in individuals affected with CACNA2D1-related conditions. Algorithms developed to predict the effect of missense changes on protein structure and function are either unavailable or do not agree on the potential impact of this missense change (SIFT: "Tolerated"; PolyPhen-2: "Possibly Damaging"; Align-GVGD: "Class C0"). In summary, the available evidence is currently insufficient to determine the role of this variant in disease. Therefore, it has been classified as a Variant of Uncertain Significance.